The following is an entry in ClinVar:

ClinVar aggregate classification (germline): Likely benign (1 of 4 stars; one submission).

Submission:

GeneDx
Classification: Likely benign. Last evaluated: 2017-06-12. Review status: criteria provided, single submitter. Criteria: GeneDx Variant Classification (06012015). Collection method: clinical testing. Allele origin: germline. Affected: yes.
Comment: This variant is considered likely benign or benign based on one or more of the following criteria: it is a conservative change, it occurs at a poorly conserved position in the protein, it is predicted to be benign by multiple in silico algorithms, and/or has population frequency not consistent with disease.

NM_000093.5(COL5A1):c.4068+17G>A

Gene: COL5A1 (collagen type V alpha 1 chain; plus strand). Cytogenetic location: 9q34.3.
Variant type: single nucleotide variant.
Coding change: c.4068+17G>A on transcript NM_000093.5 (MANE Select); 17 bases into the intron after coding-DNA position 4068, G replaced by A.
Molecular consequence: intron variant.
Genome position (GRCh38, 1-based): chr9:134,815,646, G>A. VCF-style: chr9-134815646-G-A. GRCh37 (hg19) VCF-style: chr9-137707492-G-A.
Other names: c.4068+17G>A (NM_001278074.1).
Identifiers: ClinVar variation 518012 (VCV000518012.1), dbSNP rs1554805806, ClinGen allele CA653806472.